The following is an entry in ClinVar:

ClinVar aggregate classification (germline): Likely benign (1 of 4 stars; one submission).

Allele frequency attached by ClinVar (database versions not stated): gnomAD 0.00004.

Submission:

CeGaT Center for Human Genetics Tuebingen
Classification: Likely benign. Last evaluated: 2023-02-01. Review status: criteria provided, single submitter. Criteria: CeGaT Center For Human Genetics Tuebingen Variant Classification Criteria Version 2. Collection method: clinical testing. Allele origin: germline. Affected: yes. Observed: 1 variant allele.
Comment: OGFR: BP4, BP7

NM_007346.4(OGFR):c.1836C>T (p.Asp612=)

Gene: OGFR (opioid growth factor receptor; plus strand). Cytogenetic location: 20q13.33.
Variant type: single nucleotide variant.
Coding change: c.1836C>T on transcript NM_007346.4 (MANE Select); coding-DNA position 1836, C replaced by T.
Protein change: p.Asp612=; no amino-acid change (aspartic acid 612 retained).
Molecular consequence: synonymous variant.
Genome position (GRCh38, 1-based): chr20:62,813,451, C>T. VCF-style: chr20-62813451-C-T. GRCh37 (hg19) VCF-style: chr20-61444803-C-T.
Identifiers: ClinVar variation 2652505 (VCV002652505.24), dbSNP rs529335569, ClinGen allele CA317314939.
Genomic context (GRCh38, chr20:62,813,451, plus strand): 5'-TGAGCCAGCCGAGAGCCCATCGGAGACCCCAGGCCCCCGCCCGGCAGGACCTGCAGGGGA[C>T]GAGCCAGCCGAGAGCCCATCGGAGACCCCAGGCCCCCGCCCGGCAGGACCTGCAGGGGAC-3'
Protein context (NP_031372.2, residues 602-622): PGPRPAGPAG[Asp612=]EPAESPSETP